The following is an entry in ClinVar:

ClinVar aggregate classification (germline): Conflicting classifications of pathogenicity. Review status: criteria provided, conflicting classifications (1 of 4 stars). 5 submissions from 4 submitters: Uncertain significance (2); Benign (2); Likely benign (1). Last evaluated 2026-02-01.

Conditions:
Schwartz-Jampel syndrome. Also called: Myotonic myopathy dwarfism chondrodystrophy and ocular and facial abnormalities. Identifiers: Orphanet 800, MedGen C0036391, MONDO:0009717.
Lethal Kniest-like syndrome (DDSH). Also called: Dyssegmental Dysplasia. Identifiers: Orphanet 1865, MedGen C1857100, MONDO:0009140, OMIM 224410.

Allele frequency attached by ClinVar (database versions not stated): gnomAD 0.00092 and 0.00093; 1000 Genomes Project 30x 0.00016; 1000 Genomes Project 0.00020; ESP Exome Variant Server 0.00046; TOPMed 0.00054; gnomAD exomes 0.00088 and 0.00089; ExAC 0.00089.
gnomAD v4.1: 1,417 of 1,613,996 alleles (0.088%); highest among the groups gnomAD compares: Non-Finnish European, 0.097%; 2 homozygotes.

Submissions (5):

Labcorp Genetics (formerly Invitae), Labcorp
Classification: Benign. Last evaluated: 2026-02-01. Review status: criteria provided, single submitter. Criteria: Invitae Variant Classification Sherloc (09022015). Collection method: clinical testing. Allele origin: germline.

Blueprint Genetics
Classification: Likely benign. Last evaluated: 2024-11-22. Review status: criteria provided, single submitter. Criteria: ACMG Guidelines, 2015. Collection method: clinical testing. Allele origin: germline.

Centre for Mendelian Genomics, University Medical Centre Ljubljana
Classification: Benign for Lethal Kniest-like syndrome. Last evaluated: 2018-11-08. Review status: criteria provided, single submitter. Criteria: ACMG Guidelines, 2015. Collection method: clinical testing. Allele origin: unknown. Affected: yes.
Comment: This variant was classified as: Benign. The following ACMG criteria were applied in classifying this variant: BS1,BS2.

Illumina Laboratory Services, Illumina
Classification: Uncertain significance for Schwartz-Jampel syndrome type 1. Last evaluated: 2018-01-12. Review status: criteria provided, single submitter. Criteria: ICSL Variant Classification Criteria 13 December 2019. Collection method: clinical testing. Allele origin: germline.

Illumina Laboratory Services, Illumina
Classification: Uncertain significance for Lethal Kniest-like syndrome. Last evaluated: 2018-01-12. Review status: criteria provided, single submitter. Criteria: ICSL Variant Classification Criteria 13 December 2019. Collection method: clinical testing. Allele origin: germline.

NM_005529.7(HSPG2):c.958+14G>A

Gene: HSPG2 (heparan sulfate proteoglycan 2; minus strand). Cytogenetic location: 1p36.12.
Variant type: single nucleotide variant.
Coding change: c.958+14G>A on transcript NM_005529.7 (MANE Select); 14 bases into the intron after coding-DNA position 958, G replaced by A.
Molecular consequence: intron variant.
Genome position (GRCh38, 1-based): chr1:21,887,406, C>T on the plus strand (G>A on the coding strand, the complement: HSPG2 is on the minus strand). VCF-style: chr1-21887406-C-T. GRCh37 (hg19) VCF-style: chr1-22213899-C-T.
Other names: c.958+14G>A (NM_001291860.2).
Identifiers: ClinVar variation 295901 (VCV000295901.17), dbSNP rs200930800, ClinGen allele CA673644.